The following is an entry in ClinVar:

ClinVar aggregate classification (germline): Uncertain significance (1 of 4 stars; one submission).

gnomAD v4.1: 1 of 1,614,072 alleles (0.000062%); highest among the groups gnomAD compares: Non-Finnish European, 0.000085%; no homozygotes.

Submission:

Labcorp Genetics (formerly Invitae), Labcorp
Classification: Uncertain significance. Last evaluated: 2024-12-13. Review status: criteria provided, single submitter. Criteria: Invitae Variant Classification Sherloc (09022015). Collection method: clinical testing. Allele origin: germline.
Comment: This sequence change replaces serine, which is neutral and polar, with cysteine, which is neutral and slightly polar, at codon 393 of the TTC37 protein (p.Ser393Cys). This variant is not present in population databases (gnomAD no frequency). This variant has not been reported in the literature in individuals affected with TTC37-related conditions. An algorithm developed to predict the effect of missense changes on protein structure and function (PolyPhen-2) suggests that this variant is likely to be disruptive. In summary, the available evidence is currently insufficient to determine the role of this variant in disease. Therefore, it has been classified as a Variant of Uncertain Significance.

NM_014639.4(SKIC3):c.1177A>T (p.Ser393Cys)

Gene: SKIC3 (SKI3 subunit of superkiller complex; minus strand). Cytogenetic location: 5q15.
Variant type: single nucleotide variant.
Coding change: c.1177A>T on transcript NM_014639.4 (MANE Select); coding-DNA position 1177, A replaced by T.
Protein change: p.Ser393Cys; replaces serine 393 with cysteine.
Molecular consequence: missense variant.
Genome position (GRCh38, 1-based): chr5:95,525,631, T>A on the plus strand (A>T on the coding strand, the complement: SKIC3 is on the minus strand). VCF-style: chr5-95525631-T-A. GRCh37 (hg19) VCF-style: chr5-94861335-T-A.
Other names: short protein forms S393C.
Identifiers: ClinVar variation 3727254 (VCV003727254.2).